The following is an entry in ClinVar:

NM_015346.4(ZFYVE26):c.1857C>T (p.Ser619=)

Gene: ZFYVE26 (zinc finger FYVE-type containing 26; minus strand). Cytogenetic location: 14q24.1.
Variant type: single nucleotide variant.
Coding change: c.1857C>T on transcript NM_015346.4 (MANE Select); coding-DNA position 1857, C replaced by T.
Protein change: p.Ser619=; no amino-acid change (serine 619 retained).
Molecular consequence: synonymous variant.
Genome position (GRCh38, 1-based): chr14:67,798,405, G>A on the plus strand (C>T on the coding strand, the complement: ZFYVE26 is on the minus strand). VCF-style: chr14-67798405-G-A. GRCh37 (hg19) VCF-style: chr14-68265122-G-A.
Other names: p.Ser619=.
Identifiers: ClinVar variation 704904 (VCV000704904.11), dbSNP rs764478609, ClinGen allele CA7240433.

ClinVar aggregate classification (germline): Likely benign. Review status: criteria provided, multiple submitters, no conflicts (2 of 4 stars). 2 submissions from 2 submitters: Likely benign (2). Last evaluated 2024-12-30.

Conditions:
Spastic paraplegia. Identifiers: MedGen C0037772, HP:0001258.

Allele frequency attached by ClinVar (database versions not stated): ExAC 0.00001; gnomAD 0.00001.
gnomAD v4.1: 21 of 1,613,062 alleles (0.0013%); highest among the groups gnomAD compares: Non-Finnish European, 0.0017%; no homozygotes.

Submissions (2):

Mayo Clinic Laboratories, Mayo Clinic
Classification: Likely benign. Last evaluated: 2024-12-30. Review status: criteria provided, single submitter. Criteria: ACMG Guidelines, 2015. Collection method: clinical testing. Allele origin: germline. Observed: 1 variant allele.
Comment: BP4, BP7

Labcorp Genetics (formerly Invitae), Labcorp
Classification: Likely benign for Spastic paraplegia. Last evaluated: 2022-09-27. Review status: criteria provided, single submitter. Criteria: Invitae Variant Classification Sherloc (09022015). Collection method: clinical testing. Allele origin: germline.